The following is an entry in ClinVar:

NM_017636.4(TRPM4):c.2982G>A (p.Ser994=)

Gene: TRPM4 (transient receptor potential cation channel subfamily M member 4; plus strand). Cytogenetic location: 19q13.33.
Variant type: single nucleotide variant.
Coding change: c.2982G>A on transcript NM_017636.4 (MANE Select); coding-DNA position 2982, G replaced by A.
Protein change: p.Ser994=; no amino-acid change (serine 994 retained).
Molecular consequence: synonymous variant.
Genome position (GRCh38, 1-based): chr19:49,201,992, G>A. VCF-style: chr19-49201992-G-A. GRCh37 (hg19) VCF-style: chr19-49705249-G-A.
Other names: c.2547G>A, p.Ser849= (NM_001195227.2); c.2637G>A, p.Ser879= (NM_001321281.2); c.1374G>A, p.Ser458= (NM_001321282.2); c.2460G>A, p.Ser820= (NM_001321283.2); c.1920G>A, p.Ser640= (NM_001321285.2).
Identifiers: ClinVar variation 329870 (VCV000329870.23), dbSNP rs1175810, ClinGen allele CA9569733.

ClinVar aggregate classification (germline): Benign. Review status: criteria provided, multiple submitters, no conflicts (2 of 4 stars). 8 submissions from 8 submitters: Benign (8). Last evaluated 2026-02-03.

Conditions:
Cardiovascular phenotype. Identifiers: MedGen CN230736.
Progressive familial heart block type IB (PFHB1B). Identifiers: Orphanet 871, MedGen C1970298, MONDO:0011474, OMIM 604559.

Allele frequency attached by ClinVar (database versions not stated): ExAC 0.00897; 1000 Genomes Project 0.02336; 1000 Genomes Project 30x 0.02514; gnomAD 0.02821 and 0.03027; TOPMed 0.03215; ESP Exome Variant Server 0.03245.
gnomAD v4.1: 8,607 of 1,613,742 alleles (0.53%); highest among the groups gnomAD compares: African/African-American, 9.6%; 405 homozygotes.

Submissions (8):

Labcorp Genetics (formerly Invitae), Labcorp
Classification: Benign for Progressive familial heart block type IB. Last evaluated: 2026-02-03. Review status: criteria provided, single submitter. Criteria: Invitae Variant Classification Sherloc (09022015). Collection method: clinical testing. Allele origin: germline.

Molecular Diagnostic Laboratory for Inherited Cardiovascular Disease, Montreal Heart Institute
Classification: Benign. Last evaluated: 2025-04-09. Review status: criteria provided, single submitter. Criteria: ACMG Guidelines, 2015. Collection method: clinical testing. Allele origin: germline. Affected: no.

Blueprint Genetics
Classification: Benign. Last evaluated: 2024-11-11. Review status: criteria provided, single submitter. Criteria: ACMG Guidelines, 2015. Collection method: clinical testing. Allele origin: germline.

Women's Health and Genetics/Laboratory Corporation of America, LabCorp
Classification: Benign. Last evaluated: 2023-04-10. Review status: criteria provided, single submitter. Criteria: LabCorp Variant Classification Summary - May 2015. Collection method: clinical testing. Allele origin: germline.

Illumina Laboratory Services, Illumina
Classification: Benign for Progressive familial heart block type IB. Last evaluated: 2018-01-12. Review status: criteria provided, single submitter. Criteria: ICSL Variant Classification Criteria 13 December 2019. Collection method: clinical testing. Allele origin: germline.
Comment: This variant was observed in the ICSL laboratory as part of a predisposition screen in an ostensibly healthy population. It had not been previously curated by ICSL or reported in the Human Gene Mutation Database (HGMD: prior to June 1st, 2018), and was therefore a candidate for classification through an automated scoring system. Utilizing variant allele frequency, disease prevalence and penetrance estimates, and inheritance mode, an automated score was calculated to assess if this variant is too frequent to cause the disease. Based on the score and internal cut-off values, a variant classified as benign is not then subjected to further curation. The score for this variant resulted in a classification of benign for this disease.

GeneDx
Classification: Benign. Last evaluated: 2016-10-19. Review status: criteria provided, single submitter. Criteria: GeneDx Variant Classification (06012015). Collection method: clinical testing. Allele origin: germline. Affected: yes.
Comment: This variant is considered likely benign or benign based on one or more of the following criteria: it is a conservative change, it occurs at a poorly conserved position in the protein, it is predicted to be benign by multiple in silico algorithms, and/or has population frequency not consistent with disease.

Ambry Genetics
Classification: Benign for Cardiovascular phenotype. Last evaluated: 2015-07-27. Review status: criteria provided, single submitter. Criteria: Ambry Variant Classification Scheme 2023. Collection method: clinical testing. Allele origin: germline.

Breakthrough Genomics
Classification: Benign. Review status: criteria provided, single submitter. Criteria: ACMG Guidelines, 2015. Collection method: not provided. Allele origin: germline. Inheritance: Autosomal dominant inheritance. Affected: yes.